The following is an entry in ClinVar:

ClinVar aggregate classification (germline): Uncertain significance (1 of 4 stars; one submission).

Conditions:
Chédiak-Higashi syndrome (CHS). Also called: Chediak-Higashi Syndrome. Identifiers: Orphanet 167, MedGen C0007965, MONDO:0008963, OMIM 214500.

Allele frequency attached by ClinVar (database versions not stated): TOPMed below 0.00001; gnomAD 0.00001; ExAC 0.00002.
gnomAD v4.1: 10 of 1,613,222 alleles (0.00062%); highest among the groups gnomAD compares: Admixed American, 0.017%; no homozygotes.

Submission:

Labcorp Genetics (formerly Invitae), Labcorp
Classification: Uncertain significance for Chédiak-Higashi syndrome. Last evaluated: 2022-07-02. Review status: criteria provided, single submitter. Criteria: Invitae Variant Classification Sherloc (09022015). Collection method: clinical testing. Allele origin: germline.
Comment: This sequence change replaces threonine, which is neutral and polar, with lysine, which is basic and polar, at codon 2813 of the LYST protein (p.Thr2813Lys). This variant is present in population databases (rs753203268, gnomAD 0.02%). This variant has not been reported in the literature in individuals affected with LYST-related conditions. ClinVar contains an entry for this variant (Variation ID: 663706). Algorithms developed to predict the effect of missense changes on protein structure and function (SIFT, PolyPhen-2, Align-GVGD) all suggest that this variant is likely to be tolerated. In summary, the available evidence is currently insufficient to determine the role of this variant in disease. Therefore, it has been classified as a Variant of Uncertain Significance.

NM_000081.4(LYST):c.8438C>A (p.Thr2813Lys)

Gene: LYST (lysosomal trafficking regulator; minus strand). Cytogenetic location: 1q42.3.
Variant type: single nucleotide variant.
Coding change: c.8438C>A on transcript NM_000081.4 (MANE Select); coding-DNA position 8438, C replaced by A.
Protein change: p.Thr2813Lys; replaces threonine 2813 with lysine.
Molecular consequence: missense variant.
Genome position (GRCh38, 1-based): chr1:235,734,580, G>T on the plus strand (C>A on the coding strand, the complement: LYST is on the minus strand). VCF-style: chr1-235734580-G-T. GRCh37 (hg19) VCF-style: chr1-235897880-G-T.
Other names: c.8438C>A, p.Thr2813Lys (NM_001301365.1); short protein forms T2813K.
Identifiers: ClinVar variation 663706 (VCV000663706.3), dbSNP rs753203268, ClinGen allele CA1465856.
Genomic context (GRCh38, chr1:235,734,580, plus strand): 5'-GCACTGGGAGGGATGCACTTGTGACCACATAACTTCAAAGCATTCATAAGCAGTTCTGCT[G>T]TGCCTAGCTCTTCTTCAGTCAATTCACCTTGGTGATTATGTATCAACTCTGACAAATACA-3'
Protein context (NP_000072.2, residues 2803-2823): QGELTEEELG[Thr2813Lys]AELLMNALKL